The following is an entry in ClinVar:

NM_007294.4(BRCA1):c.4991T>A (p.Leu1664His)

Gene: BRCA1 (BRCA1 DNA repair associated; minus strand). Cytogenetic location: 17q21.31.
Variant type: single nucleotide variant.
Coding change: c.4991T>A on transcript NM_007294.4 (MANE Select); coding-DNA position 4991, T replaced by A.
Protein change: p.Leu1664His; replaces leucine 1664 with histidine.
Molecular consequence: missense variant. On other transcripts: non-coding transcript variant (1).
Genome position (GRCh38, 1-based): chr17:43,067,691, A>T on the plus strand (T>A on the coding strand, the complement: BRCA1 is on the minus strand). VCF-style: chr17-43067691-A-T. GRCh37 (hg19) VCF-style: chr17-41219708-A-T.
Other names: c.4655T>A, p.Leu1552His (NM_001407951.1, NM_001407952.1, NM_001407953.1 and 3 more transcripts); c.4652T>A, p.Leu1551His (NM_001407956.1, NM_001407957.1, NM_001407958.1); c.2387T>A, p.Leu796His (NM_001407968.1); c.2384T>A, p.Leu795His (NM_001407969.1); c.1748T>A, p.Leu583His (NM_001407970.1, NM_001407971.1); c.1745T>A, p.Leu582His (NM_001407972.1); c.1682T>A, p.Leu561His (NM_001407973.1, NM_001407974.1, NM_001407975.1 and 3 more transcripts); c.1679T>A, p.Leu560His (NM_001407990.1, NM_001407991.1, NM_001407992.1 and 13 more transcripts); and 70 more; short protein forms L1617H, L1664H, L1685H, L560H, L1495H, L1536H, L1551H, L1553H.
Identifiers: ClinVar variation 868503 (VCV000868503.3), dbSNP rs80357314, ClinGen allele CA10591535.
Genomic context (GRCh38, chr17:43,067,691, plus strand): 5'-GTCTCTTCAGTAATTAGATTAGTTAAAGTGATGTGGTGTTTTCTGGCAAACTTGTACACG[A>T]GCATCTGAAATTAAATCAAATATTCCATTATCATGAGTTACCTCTAGCACACAGCTCAGA-3'
Protein context (NP_009225.1, residues 1654-1674): VSGLTPEEFM[Leu1664His]VYKFARKHHI

Conditions:
Breast-ovarian cancer, familial, susceptibility to, 1 (BROVCA1). Also called: BRCA1 Hereditary Breast and Ovarian Cancer; OVARIAN CANCER, SUSCEPTIBILITY TO. Identifiers: Orphanet 145, MedGen C2676676, MONDO:0011450, OMIM 604370. Disease mechanism: loss of function.

Submission:

Brotman Baty Institute, University of Washington
No classification provided (evidence only). Condition: Breast-ovarian cancer, familial 1. Review status: no classification provided. Collection method: in vitro. Allele origin: not applicable. Functional consequence: functionally_normal.
ClinVar note: "not provided" was previously submitted as the classification for the variant. However, the classification appeared to be based only on an observation of functional data so it was converted to no classification on 2025-07-30.